The following is an entry in ClinVar:

NM_001009944.3(PKD1):c.12682del (p.Arg4228fs)

Gene: PKD1 (polycystin 1, transient receptor potential channel interacting; minus strand). Cytogenetic location: 16p13.3.
Variant type: Deletion.
Coding change: c.12682del on transcript NM_001009944.3 (MANE Select); coding-DNA position 12682, one base deleted (C; older notation c.12682delC).
Protein change: p.Arg4228fs; shifts the reading frame from arginine 4228.
Molecular consequence: frameshift variant.
Genome position (GRCh38, 1-based): chr16:2,089,957, G deleted on the plus strand (C on the coding strand, the reverse complement: PKD1 is on the minus strand); the first of 2 consecutive G bases (chr16:2,089,957-2,089,958); deleting either gives the same sequence. VCF-style (leftmost placement, unchanged base first): chr16-2089956-CG-C. GRCh37 (hg19) VCF-style: chr16-2139957-CG-C.
Other names: c.12679del, p.Arg4227fs (NM_000296.4); short protein forms R4227fs, R4228fs.
Identifiers: ClinVar variation 3392558 (VCV003392558.1).
Genomic context (GRCh38, chr16:2,089,956, plus strand): 5'-CCTTGCAGGCTGTGCAGCTGCTGCTCCAGCTGGTAGACGTCCTCTGTGGCCTGGTTGAGT[CG>C]GTCAAACTGGGTGAGCAGGGCCTCGAACACGGCTTGGAGGCGGGAGGGCTCAGGCTCACA-3'

ClinVar aggregate classification (germline): Pathogenic (1 of 4 stars; one submission).

Conditions:
Polycystic kidney disease, adult type (PKD1). Also called: POLYCYSTIC KIDNEY DISEASE, ADULT, TYPE I; Polycystic Kidney, Autosomal Dominant; Polycystic Kidney Disease 1, Autosomal Dominant; Polycystic kidney disease 1; Polycystic kidney disease 1, severe; POLYCYSTIC KIDNEY DISEASE 1 WITH OR WITHOUT POLYCYSTIC LIVER DISEASE. Identifiers: MedGen C3149841, MONDO:0008263, OMIM 173900.

Submission:

MVZ Medizinische Genetik Mainz
Classification: Pathogenic for Polycystic kidney disease, adult type. Last evaluated: 2024-11-28. Review status: criteria provided, single submitter. Criteria: UK Practice Guidelines For Variant Classification V4 01 2020. Collection method: clinical testing. Allele origin: germline. Inheritance: Autosomal dominant inheritance. Affected: yes. Observed: 1 variant allele.
Comment: ACMG Criteria: PVS1,PM2_SUP,PP4